The following is an entry in ClinVar:

NM_005359.6(SMAD4):c.249+7C>G

Gene: SMAD4 (SMAD family member 4; plus strand). Cytogenetic location: 18q21.2.
Variant type: single nucleotide variant.
Coding change: c.249+7C>G on transcript NM_005359.6 (MANE Select); 7 bases into the intron after coding-DNA position 249, C replaced by G.
Molecular consequence: intron variant.
Genome position (GRCh38, 1-based): chr18:51,047,302, C>G. VCF-style: chr18-51047302-C-G. GRCh37 (hg19) VCF-style: chr18-48573672-C-G.
Identifiers: ClinVar variation 1536241 (VCV001536241.9), dbSNP rs754207663, ClinGen allele CA2573155404.

ClinVar aggregate classification (germline): Likely benign. Review status: criteria provided, multiple submitters, no conflicts (2 of 4 stars). 2 submissions from 2 submitters: Likely benign (2). Last evaluated 2025-03-18.

Conditions:
Juvenile polyposis syndrome (JPS). Identifiers: Orphanet 2929, MedGen C0345893, MONDO:0017380, OMIM 174900.
Juvenile polyposis/hereditary hemorrhagic telangiectasia syndrome (JPHT). Also called: Juvenile Polyposis Syndrome / Hereditary Hemorrhagic Telangiectasia (JPS/HHT); JP/HHT SYNDROME; JUVENILE POLYPOSIS WITH HEREDITARY HEMORRHAGIC TELANGIECTASIA; POLYPOSIS, GENERALIZED JUVENILE, WITH PULMONARY ARTERIOVENOUS MALFORMATION; TELANGIECTASIA, HEREDITARY HEMORRHAGIC, WITH JUVENILE POLYPOSIS COLI. Identifiers: Orphanet 2929, MedGen C1832942, MONDO:0008278, OMIM 175050.

Submissions (2):

Myriad Genetics, Inc.
Classification: Likely benign for Juvenile polyposis/hereditary hemorrhagic telangiectasia syndrome. Last evaluated: 2025-03-18. Review status: criteria provided, single submitter. Criteria: Myriad Autosomal Dominant, Autosomal Recessive and X-Linked Classification Criteria (2023). Collection method: clinical testing. Allele origin: unknown.
Comment: This variant is considered likely benign. This variant is intronic and is not expected to impact mRNA splicing.

Labcorp Genetics (formerly Invitae), Labcorp
Classification: Likely benign for Juvenile polyposis syndrome. Last evaluated: 2021-05-16. Review status: criteria provided, single submitter. Criteria: Invitae Variant Classification Sherloc (09022015). Collection method: clinical testing. Allele origin: germline.